The following is an entry in ClinVar:

NM_000553.6(WRN):c.838A>G (p.Arg280Gly)

Gene: WRN (WRN RecQ like helicase; plus strand). Cytogenetic location: 8p12.
Variant type: single nucleotide variant.
Coding change: c.838A>G on transcript NM_000553.6 (MANE Select); coding-DNA position 838, A replaced by G.
Protein change: p.Arg280Gly; replaces arginine 280 with glycine.
Molecular consequence: missense variant.
Genome position (GRCh38, 1-based): chr8:31,076,286, A>G. VCF-style: chr8-31076286-A-G. GRCh37 (hg19) VCF-style: chr8-30933802-A-G.
Other names: short protein forms R280G.
Identifiers: ClinVar variation 2790126 (VCV002790126.4), dbSNP rs2535902174, ClinGen allele CA370918817.
Genomic context (GRCh38, chr8:31,076,286, plus strand): 5'-GAAGTGATGGATCTGGCTAAGCATCTTCCTCATGCTTTCAGTAAATTGGAAAACCCACGG[A>G]GGTTAAATATTACCTTTTTTTTTTTTAACTTAAATCAATTCTGTTTATTTTTTTATCACA-3'
Protein context (NP_000544.2, residues 270-290): HAFSKLENPR[Arg280Gly]VSILLKDISE

ClinVar aggregate classification (germline): Uncertain significance. Review status: criteria provided, multiple submitters, no conflicts (2 of 4 stars). 2 submissions from 2 submitters: Uncertain significance (2). Last evaluated 2025-07-10.

Conditions:
Werner syndrome (WRN). Identifiers: Orphanet 902, MedGen C0043119, MONDO:0010196, OMIM 277700.

Submissions (2):

Women's Health and Genetics/Laboratory Corporation of America, LabCorp
Classification: Uncertain significance. Last evaluated: 2025-07-10. Review status: criteria provided, single submitter. Criteria: LabCorp Variant Classification Summary - May 2015. Collection method: clinical testing. Allele origin: germline.
Comment: Variant summary: WRN c.838A>G (p.Arg280Gly) results in a non-conservative amino acid change in the encoded protein sequence. Algorithms developed to predict the effect of missense changes on protein structure and function are either unavailable or do not agree on the potential impact of this missense change. Consensus agreement among computation tools predict no significant impact on normal splicing. However, these predictions have yet to be confirmed by functional studies. The variant was absent in 249614 control chromosomes (gnomAD). The available data on variant occurrences in the general population are insufficient to allow any conclusion about variant significance. To our knowledge, no occurrence of c.838A>G in individuals affected with Werner Syndrome and no experimental evidence demonstrating its impact on protein function have been reported. ClinVar contains an entry for this variant (Variation ID: 2790126). Based on the evidence outlined above, the variant was classified as uncertain significance.

Labcorp Genetics (formerly Invitae), Labcorp
Classification: Uncertain significance for Werner syndrome. Last evaluated: 2023-03-31. Review status: criteria provided, single submitter. Criteria: Invitae Variant Classification Sherloc (09022015). Collection method: clinical testing. Allele origin: germline.
Comment: In summary, the available evidence is currently insufficient to determine the role of this variant in disease. Therefore, it has been classified as a Variant of Uncertain Significance. Algorithms developed to predict the effect of sequence changes on RNA splicing suggest that this variant may disrupt the consensus splice site. An algorithm developed to predict the effect of missense changes on protein structure and function (PolyPhen-2) suggests that this variant is likely to be disruptive. This variant has not been reported in the literature in individuals affected with WRN-related conditions. This variant is not present in population databases (gnomAD no frequency). This sequence change replaces arginine, which is basic and polar, with glycine, which is neutral and non-polar, at codon 280 of the WRN protein (p.Arg280Gly).